The following is an entry in ClinVar:

ClinVar aggregate classification (germline): Uncertain significance (1 of 4 stars; one submission).

Conditions:
Intellectual developmental disorder, X-linked, syndromic, with pigmentary mosaicism and coarse facies. Identifiers: MedGen C5561930, MONDO:0859080, OMIM 301066.

Submission:

3billion
Classification: Uncertain significance for Intellectual developmental disorder, X-linked, syndromic, with pigmentary mosaicism and coarse facies. Last evaluated: 2025-09-09. Review status: criteria provided, single submitter. Criteria: ACMG Guidelines, 2015. Collection method: clinical testing. Allele origin: germline. Affected: yes.
Comment: The variant is not observed in the gnomAD v4.1.0 dataset. Predicted Consequence/Location: Missense variant. Missense changes are a common disease-causing mechanism. In silico tool predictions suggest damaging effect of the variant on gene or gene product [3Cnet: 0.98 (> 0.75, sensitivity 0.96 and precision 0.92)]. Different missense changes at the same codon have been reported as of uncertain significance (ClinVar ID: VCV003765995). Therefore, this variant is classified as VUS according to the recommendation of ACMG/AMP guideline.

NM_006521.6(TFE3):c.365G>C (p.Arg122Pro)

Gene: TFE3 (transcription factor binding to IGHM enhancer 3; minus strand). Cytogenetic location: Xp11.23.
Variant type: single nucleotide variant.
Coding change: c.365G>C on transcript NM_006521.6 (MANE Select); coding-DNA position 365, G replaced by C.
Protein change: p.Arg122Pro; replaces arginine 122 with proline.
Molecular consequence: missense variant.
Genome position (GRCh38, 1-based): chrX:49,039,276, C>G on the plus strand (G>C on the coding strand, the complement: TFE3 is on the minus strand). VCF-style: chrX-49039276-C-G. GRCh37 (hg19) VCF-style: chrX-48896801-C-G.
Other names: c.50G>C, p.Arg17Pro (NM_001282142.2); short protein forms R122P, R17P.
Identifiers: ClinVar variation 4856264 (VCV004856264.1).